The following is an entry in ClinVar:

NM_021076.4(NEFH):c.1846G>C (p.Ala616Pro)

Gene: NEFH (neurofilament heavy chain; plus strand). Cytogenetic location: 22q12.2.
Variant type: single nucleotide variant.
Coding change: c.1846G>C on transcript NM_021076.4 (MANE Select); coding-DNA position 1846, G replaced by C.
Protein change: p.Ala616Pro; replaces alanine 616 with proline.
Molecular consequence: missense variant.
Genome position (GRCh38, 1-based): chr22:29,489,486, G>C. VCF-style: chr22-29489486-G-C. GRCh37 (hg19) VCF-style: chr22-29885475-G-C.
Other names: short protein forms A616P.
Identifiers: ClinVar variation 1781252 (VCV001781252.2), dbSNP rs1398309477, ClinGen allele CA411132100.

ClinVar aggregate classification (germline): Uncertain significance (1 of 4 stars; one submission).

Conditions:
Inborn genetic diseases. Identifiers: MedGen C0950123, MeSH D030342.

Allele frequency attached by ClinVar (database versions not stated): gnomAD 0.00001; gnomAD exomes 0.00001.
gnomAD v4.1: 19 of 1,599,544 alleles (0.0012%); highest among the groups gnomAD compares: Admixed American, 0.0017%; no homozygotes.

Submission:

Ambry Genetics
Classification: Uncertain significance for Inborn genetic diseases. Last evaluated: 2020-02-24. Review status: criteria provided, single submitter. Criteria: Ambry Variant Classification Scheme 2023. Collection method: clinical testing. Allele origin: germline.
Comment: The p.A616P variant (also known as c.1846G>C), located in coding exon 4 of the NEFH gene, results from a G to C substitution at nucleotide position 1846. The alanine at codon 616 is replaced by proline, an amino acid with highly similar properties. This amino acid position is poorly conserved in available vertebrate species. In addition, this alteration is predicted to be tolerated by in silico analysis. Since supporting evidence is limited at this time, the clinical significance of this alteration remains unclear.